The following is an entry in ClinVar:

NM_005921.2(MAP3K1):c.4445G>A (p.Arg1482Gln)

Gene: MAP3K1 (mitogen-activated protein kinase kinase kinase 1; plus strand). Cytogenetic location: 5q11.2.
Variant type: single nucleotide variant.
Coding change: c.4445G>A on transcript NM_005921.2 (MANE Select); coding-DNA position 4445, G replaced by A.
Protein change: p.Arg1482Gln; replaces arginine 1482 with glutamine.
Molecular consequence: missense variant.
Genome position (GRCh38, 1-based): chr5:56,893,586, G>A. VCF-style: chr5-56893586-G-A. GRCh37 (hg19) VCF-style: chr5-56189413-G-A.
Other names: short protein forms R1482Q.
Identifiers: ClinVar variation 2855528 (VCV002855528.4), dbSNP rs751740782, ClinGen allele CA3273391.

ClinVar aggregate classification (germline): Uncertain significance (1 of 4 stars; one submission).

Conditions:
46,XY sex reversal 6. Also called: 46,XY GONADAL DYSGENESIS, PARTIAL OR COMPLETE, MAP3K1-RELATED; 46,XY SEX REVERSAL, PARTIAL OR COMPLETE, MAP3K1-RELATED. Identifiers: MedGen C3151064, MONDO:0013410, OMIM 613762.

Allele frequency attached by ClinVar (database versions not stated): ExAC 0.00001; gnomAD 0.00001; gnomAD exomes 0.00001; TOPMed 0.00001.
gnomAD v4.1: 20 of 1,613,852 alleles (0.0012%); highest among the groups gnomAD compares: East Asian, 0.0022%; no homozygotes.

Submissions (2):

Labcorp Genetics (formerly Invitae), Labcorp
Classification: Uncertain significance for 46,XY sex reversal 6. Last evaluated: 2024-01-15. Review status: criteria provided, single submitter. Criteria: Invitae Variant Classification Sherloc (09022015). Collection method: clinical testing. Allele origin: germline.
Comment: This sequence change replaces arginine, which is basic and polar, with glutamine, which is neutral and polar, at codon 1482 of the MAP3K1 protein (p.Arg1482Gln). This variant is present in population databases (rs751740782, gnomAD 0.003%). This variant has not been reported in the literature in individuals affected with MAP3K1-related conditions. Advanced modeling of protein sequence and biophysical properties (such as structural, functional, and spatial information, amino acid conservation, physicochemical variation, residue mobility, and thermodynamic stability) has been performed at Invitae for this missense variant, however the output from this modeling did not meet the statistical confidence thresholds required to predict the impact of this variant on MAP3K1 protein function. In summary, the available evidence is currently insufficient to determine the role of this variant in disease. Therefore, it has been classified as a Variant of Uncertain Significance.

Dr. Peter K. Rogan Lab, Western University
No classification provided (evidence only). Condition: Ovarian serous cystadenocarcinoma. Review status: no classification provided. Collection method: in vitro. Allele origin: not applicable. Functional consequence: retained intron. Not counted in ClinVar's aggregate classification.